The following is an entry in ClinVar:

NM_003283.6(TNNT1):c.569A>G (p.Lys190Arg)

Gene: TNNT1 (troponin T1, slow skeletal type; minus strand). Cytogenetic location: 19q13.42.
Variant type: single nucleotide variant.
Coding change: c.569A>G on transcript NM_003283.6 (MANE Select); coding-DNA position 569, A replaced by G.
Protein change: p.Lys190Arg; replaces lysine 190 with arginine.
Molecular consequence: missense variant.
Genome position (GRCh38, 1-based): chr19:55,137,145, T>C on the plus strand (A>G on the coding strand, the complement: TNNT1 is on the minus strand). VCF-style: chr19-55137145-T-C. GRCh37 (hg19) VCF-style: chr19-55648513-T-C.
Other names: c.569A>G, p.Lys190Arg (NM_001126132.3); c.536A>G, p.Lys179Arg (NM_001126133.3, NM_001291774.2); short protein forms K190R, K179R.
Identifiers: ClinVar variation 934525 (VCV000934525.9), dbSNP rs2085359836, ClinGen allele CA407432680.

ClinVar aggregate classification (germline): Uncertain significance (1 of 4 stars; one submission).

Conditions:
Nemaline myopathy 5 (NEM5A). Also called: Nemaline myopathy 5, Amish type; NEMALINE MYOPATHY 5A, AUTOSOMAL RECESSIVE, SEVERE INFANTILE; NEMALINE MYOPATHY, AMISH TYPE. Identifiers: Orphanet 98902, MedGen C1854380, MONDO:0011539, OMIM 605355.

Submission:

Labcorp Genetics (formerly Invitae), Labcorp
Classification: Uncertain significance for Nemaline myopathy 5. Last evaluated: 2022-03-03. Review status: criteria provided, single submitter. Criteria: Invitae Variant Classification Sherloc (09022015). Collection method: clinical testing. Allele origin: germline.
Comment: This sequence change replaces lysine, which is basic and polar, with arginine, which is basic and polar, at codon 190 of the TNNT1 protein (p.Lys190Arg). This variant is not present in population databases (gnomAD no frequency). This variant has not been reported in the literature in individuals affected with TNNT1-related conditions. ClinVar contains an entry for this variant (Variation ID: 934525). Algorithms developed to predict the effect of missense changes on protein structure and function output the following: SIFT: "Tolerated"; PolyPhen-2: "Benign"; Align-GVGD: "Class C0". The arginine amino acid residue is found in multiple mammalian species, which suggests that this missense change does not adversely affect protein function. Algorithms developed to predict the effect of sequence changes on RNA splicing suggest that this variant may create or strengthen a splice site. In summary, the available evidence is currently insufficient to determine the role of this variant in disease. Therefore, it has been classified as a Variant of Uncertain Significance.